The following is an entry in ClinVar:

ClinVar aggregate classification (germline): Uncertain significance. Review status: criteria provided, multiple submitters, no conflicts (2 of 4 stars). 4 submissions from 4 submitters: Uncertain significance (4). Last evaluated 2022-10-03.

Conditions:
Inborn genetic diseases. Identifiers: MedGen C0950123, MeSH D030342.
Mitochondrial DNA depletion syndrome, encephalomyopathic form with methylmalonic aciduria (MTDPS5). Also called: Mitochondrial encephalomyopathy aminoacidopathy; MITOCHONDRIAL DNA DEPLETION SYNDROME, ENCEPHALOMYOPATHIC FORM, WITH OR WITHOUT METHYLMALONIC ACIDURIA, AUTOSOMAL RECESSIVE, SUCLA2-RELATED; Mitochondrial DNA depletion syndrome 5 (encephalomyopathic with or without methylmalonic aciduria); SUCLA2-Related Mitochondrial DNA Depletion Syndrome, Encephalomyopathic Form with Methylmalonic Aciduria. Identifiers: Orphanet 1933, MedGen C5980207, MONDO:0012791, OMIM 612073.

Allele frequency attached by ClinVar (database versions not stated): TOPMed 0.00002; ExAC 0.00011; 1000 Genomes Project 30x 0.00016; 1000 Genomes Project 0.00020.
gnomAD v4.1: 78 of 1,609,618 alleles (0.0048%); highest among the groups gnomAD compares: Admixed American, 0.022%; no homozygotes.

Submissions (4):

Ambry Genetics
Classification: Uncertain significance for Inborn genetic diseases. Last evaluated: 2022-10-03. Review status: criteria provided, single submitter. Criteria: Ambry Variant Classification Scheme 2023. Collection method: clinical testing. Allele origin: germline.

Labcorp Genetics (formerly Invitae), Labcorp
Classification: Uncertain significance for Mitochondrial DNA depletion syndrome, encephalomyopathic form with methylmalonic aciduria. Last evaluated: 2022-08-23. Review status: criteria provided, single submitter. Criteria: Invitae Variant Classification Sherloc (09022015). Collection method: clinical testing. Allele origin: germline.
Comment: This sequence change replaces threonine, which is neutral and polar, with arginine, which is basic and polar, at codon 23 of the SUCLA2 protein (p.Thr23Arg). This variant is present in population databases (rs538760468, gnomAD 0.03%). This variant has not been reported in the literature in individuals affected with SUCLA2-related conditions. ClinVar contains an entry for this variant (Variation ID: 312272). Algorithms developed to predict the effect of missense changes on protein structure and function (SIFT, PolyPhen-2, Align-GVGD) all suggest that this variant is likely to be tolerated. In summary, the available evidence is currently insufficient to determine the role of this variant in disease. Therefore, it has been classified as a Variant of Uncertain Significance.

Athena Diagnostics
Classification: Uncertain significance. Last evaluated: 2021-08-30. Review status: criteria provided, single submitter. Criteria: Athena Diagnostics Criteria. Collection method: clinical testing. Allele origin: unknown.

Illumina Laboratory Services, Illumina
Classification: Uncertain significance for Mitochondrial DNA depletion syndrome, encephalomyopathic form with methylmalonic aciduria. Last evaluated: 2018-01-13. Review status: criteria provided, single submitter. Criteria: ICSL Variant Classification Criteria 13 December 2019. Collection method: clinical testing. Allele origin: germline.

NM_003850.3(SUCLA2):c.68C>G (p.Thr23Arg)

Genes: SUCLA2 (succinate-CoA ligase ADP-forming subunit beta; minus strand), LOC130009747 (ATAC-STARR-seq lymphoblastoid active region 7719; plus strand). Cytogenetic location: 13q14.2.
Variant type: single nucleotide variant.
Coding change: c.68C>G on transcript NM_003850.3 (MANE Select); coding-DNA position 68, C replaced by G.
Protein change: p.Thr23Arg; replaces threonine 23 with arginine.
Molecular consequence: missense variant.
Genome position (GRCh38, 1-based): chr13:48,001,202, G>C on the plus strand (C>G on the coding strand, the complement: SUCLA2 is on the minus strand). VCF-style: chr13-48001202-G-C. GRCh37 (hg19) VCF-style: chr13-48575338-G-C.
Other names: short protein forms T23R.
Identifiers: ClinVar variation 312272 (VCV000312272.11), dbSNP rs538760468, ClinGen allele CA6978116.